The following is an entry in ClinVar:

ClinVar aggregate classification (germline): Uncertain significance. Review status: criteria provided, multiple submitters, no conflicts (2 of 4 stars). 2 submissions from 2 submitters: Uncertain significance (2). Last evaluated 2026-03-12.

Conditions:
Inborn genetic diseases. Identifiers: MedGen C0950123, MeSH D030342.
Fanconi anemia (FA). Also called: Fanconi's anemia. Identifiers: Orphanet 84, MedGen C0015625, MeSH D005199, MONDO:0019391.

Allele frequency attached by ClinVar (database versions not stated): gnomAD 0.00001.
gnomAD v4.1: 1 of 1,614,018 alleles (0.000062%); highest among the groups gnomAD compares: Non-Finnish European, 0.000085%; no homozygotes.

Submissions (2):

Ambry Genetics
Classification: Uncertain significance for Inborn genetic diseases. Last evaluated: 2026-03-12. Review status: criteria provided, single submitter. Criteria: Ambry Variant Classification Scheme 2023. Collection method: clinical testing. Allele origin: germline.
Comment: The p.S46P variant (also known as c.136T>C), located in coding exon 2 of the FANCA gene, results from a T to C substitution at nucleotide position 136. The serine at codon 46 is replaced by proline, an amino acid with similar properties. This amino acid position is conserved. In addition, this alteration is predicted to be tolerated by in silico analysis. Based on the available evidence, the clinical significance of this variant remains unclear.

Labcorp Genetics (formerly Invitae), Labcorp
Classification: Uncertain significance for Fanconi anemia. Last evaluated: 2022-10-18. Review status: criteria provided, single submitter. Criteria: Invitae Variant Classification Sherloc (09022015). Collection method: clinical testing. Allele origin: germline.
Comment: This sequence change replaces serine, which is neutral and polar, with proline, which is neutral and non-polar, at codon 46 of the FANCA protein (p.Ser46Pro). This variant is not present in population databases (gnomAD no frequency). This variant has not been reported in the literature in individuals affected with FANCA-related conditions. ClinVar contains an entry for this variant (Variation ID: 1377941). Advanced modeling of protein sequence and biophysical properties (such as structural, functional, and spatial information, amino acid conservation, physicochemical variation, residue mobility, and thermodynamic stability) performed at Invitae indicates that this missense variant is expected to disrupt FANCA protein function. In summary, the available evidence is currently insufficient to determine the role of this variant in disease. Therefore, it has been classified as a Variant of Uncertain Significance.

NM_000135.4(FANCA):c.136T>C (p.Ser46Pro)

Gene: FANCA (FA complementation group A; minus strand). Cytogenetic location: 16q24.3.
Variant type: single nucleotide variant.
Coding change: c.136T>C on transcript NM_000135.4 (MANE Select); coding-DNA position 136, T replaced by C.
Protein change: p.Ser46Pro; replaces serine 46 with proline.
Molecular consequence: missense variant.
Genome position (GRCh38, 1-based): chr16:89,815,930, A>G on the plus strand (T>C on the coding strand, the complement: FANCA is on the minus strand). VCF-style: chr16-89815930-A-G. GRCh37 (hg19) VCF-style: chr16-89882338-A-G.
Other names: c.136T>C, p.Ser46Pro (NM_001018112.3, NM_001286167.3, NM_001351830.2); c.136T>C (NM_000135.2); short protein forms S46P.
Identifiers: ClinVar variation 1377941 (VCV001377941.9), dbSNP rs2041098152, ClinGen allele CA397483414.